The following is an entry in ClinVar:

ClinVar aggregate classification (germline): Likely benign. Review status: criteria provided, multiple submitters, no conflicts (2 of 4 stars). 4 submissions from 4 submitters: Likely benign (3). 1 of the submissions does not count toward it. Last evaluated 2024-11-21.

Conditions:
CTNND1-related disorder. Also called: CTNND1-related condition.

Allele frequency attached by ClinVar (database versions not stated): gnomAD 0.00104 and 0.00102; ESP Exome Variant Server 0.00118; gnomAD exomes 0.00122; TOPMed 0.00127; 1000 Genomes Project 30x 0.00062; 1000 Genomes Project 0.00080; ExAC 0.00104.
gnomAD v4.1: 1,741 of 1,613,996 alleles (0.11%); highest among the groups gnomAD compares: Admixed American, 0.14%; 4 homozygotes.

Submissions (4):

Blueprint Genetics
Classification: Likely benign. Last evaluated: 2024-11-21. Review status: criteria provided, single submitter. Criteria: ACMG Guidelines, 2015. Collection method: clinical testing. Allele origin: germline.

CeGaT Center for Human Genetics Tuebingen
Classification: Likely benign. Last evaluated: 2023-11-01. Review status: criteria provided, single submitter. Criteria: CeGaT Center For Human Genetics Tuebingen Variant Classification Criteria Version 2. Collection method: clinical testing. Allele origin: germline. Affected: yes. Observed: 1 variant allele.
Comment: CTNND1: BP4

Labcorp Genetics (formerly Invitae), Labcorp
Classification: Likely benign. Last evaluated: 2019-12-31. Review status: criteria provided, single submitter. Criteria: Invitae Variant Classification Sherloc (09022015). Collection method: clinical testing. Allele origin: germline.

PreventionGenetics, part of Exact Sciences
Classification: Benign for CTNND1-related condition. Last evaluated: 2019-12-09. Review status: no assertion criteria provided. Collection method: clinical testing. Allele origin: germline. Not counted in ClinVar's aggregate classification.
Comment: This variant is classified as benign based on ACMG/AMP sequence variant interpretation guidelines (Richards et al. 2015 PMID: 25741868, with internal and published modifications).

NM_001085458.2(CTNND1):c.257A>G (p.Asn86Ser)

Genes: CTNND1 (catenin delta 1; plus strand), TMX2-CTNND1 (TMX2-CTNND1 readthrough (NMD candidate); plus strand). Cytogenetic location: 11q12.1.
Variant type: single nucleotide variant.
Coding change: c.257A>G on transcript NM_001085458.2 (MANE Select); coding-DNA position 257, A replaced by G.
Protein change: p.Asn86Ser; replaces asparagine 86 with serine.
Molecular consequence: missense variant. On other transcripts: non-coding transcript variant (1), 5 prime UTR variant (7), intron variant (1).
Genome position (GRCh38, 1-based): chr11:57,794,071, A>G. VCF-style: chr11-57794071-A-G. GRCh37 (hg19) VCF-style: chr11-57561543-A-G.
Other names: c.257A>G, p.Asn86Ser (NM_001085459.2, NM_001085460.2, NM_001085461.2 and 3 more transcripts); c.-47A>G (NM_001085463.2, NM_001085464.2, NM_001085465.2 and 4 more transcripts); c.95A>G, p.Asn32Ser (NM_001206883.2, NM_001206884.2, NM_001206886.2 and 4 more transcripts); c.-36-1506A>G (NM_001085469.2); short protein forms N86S, N32S.
Identifiers: ClinVar variation 722491 (VCV000722491.29), dbSNP rs76817459, ClinGen allele CA6010182.